The following is an entry in ClinVar:

ClinVar aggregate classification (germline): Pathogenic (1 of 4 stars; one submission).

Submission:

GeneDx
Classification: Pathogenic. Last evaluated: 2013-08-07. Review status: criteria provided, single submitter. Criteria: GeneDx Variant Classification (06012015). Collection method: clinical testing. Allele origin: germline. Affected: yes.
Comment: The Gln234Stop nonsense mutation in the CDKL5 gene is predicted to cause loss of normal protein function either through protein truncation or nonsense-mediated mRNA decay. Although this mutation has not been reported previously to our knowledge, other nonsense mutations have been reported in the CDKL5 gene in association with epilepsy. The variant is found in EPILEPSY panel(s).

NM_001323289.2(CDKL5):c.700C>T (p.Gln234Ter)

Gene: CDKL5 (cyclin dependent kinase like 5; plus strand). Cytogenetic location: Xp22.13.
Variant type: single nucleotide variant.
Coding change: c.700C>T on transcript NM_001323289.2 (MANE Select); coding-DNA position 700, C replaced by T.
Protein change: p.Gln234Ter; replaces glutamine 234 with a stop codon.
Molecular consequence: nonsense.
Genome position (GRCh38, 1-based): chrX:18,588,099, C>T. VCF-style: chrX-18588099-C-T. GRCh37 (hg19) VCF-style: chrX-18606219-C-T.
Other names: p.Q234*:CAG>TAG; c.700C>T, p.Gln234Ter (NM_001037343.2, NM_003159.3); short protein forms Q234*.
Identifiers: ClinVar variation 156608 (VCV000156608.2), dbSNP rs587783089, ClinGen allele CA294612.